The following is an entry in ClinVar:

ClinVar aggregate classification (germline): Uncertain significance (1 of 4 stars; one submission).

Conditions:
Mucopolysaccharidosis, MPS-IV-A (MPS4A). Also called: Morquio syndrome A, mild; MORQUIO SYNDROME A; GALACTOSAMINE-6-SULFATASE DEFICIENCY; GALNS DEFICIENCY; MORQUIO A DISEASE; Mucopolysaccharidosis type IV A. Identifiers: Orphanet 309297, Orphanet 582, MedGen C0086651, MONDO:0009659, OMIM 253000.

Allele frequency attached by ClinVar (database versions not stated): TOPMed 0.00003; gnomAD 0.00004.
gnomAD v4.1: 23 of 1,589,312 alleles (0.0014%); highest among the groups gnomAD compares: South Asian, 0.0091%; no homozygotes.

Submission:

Labcorp Genetics (formerly Invitae), Labcorp
Classification: Uncertain significance for Mucopolysaccharidosis, MPS-IV-A. Last evaluated: 2022-03-15. Review status: criteria provided, single submitter. Criteria: Invitae Variant Classification Sherloc (09022015). Collection method: clinical testing. Allele origin: germline.
Comment: This sequence change replaces alanine, which is neutral and non-polar, with threonine, which is neutral and polar, at codon 296 of the GALNS protein (p.Ala296Thr). The frequency data for this variant in the population databases is considered unreliable, as metrics indicate poor data quality at this position in the gnomAD database. In summary, the available evidence is currently insufficient to determine the role of this variant in disease. Therefore, it has been classified as a Variant of Uncertain Significance. Advanced modeling of protein sequence and biophysical properties (such as structural, functional, and spatial information, amino acid conservation, physicochemical variation, residue mobility, and thermodynamic stability) performed at Invitae indicates that this missense variant is not expected to disrupt GALNS protein function. This missense change has been observed in individual(s) with clinical features of mucopolysaccharidosis type IVA (PMID: 32014045).

Literature cited by the submitters: PubMed 32014045.

NM_000512.5(GALNS):c.886G>A (p.Ala296Thr)

Gene: GALNS (galactosamine (N-acetyl)-6-sulfatase; minus strand). Cytogenetic location: 16q24.3.
Variant type: single nucleotide variant.
Coding change: c.886G>A on transcript NM_000512.5 (MANE Select); coding-DNA position 886, G replaced by A.
Protein change: p.Ala296Thr; replaces alanine 296 with threonine.
Molecular consequence: missense variant.
Genome position (GRCh38, 1-based): chr16:88,835,225, C>T on the plus strand (G>A on the coding strand, the complement: GALNS is on the minus strand). VCF-style: chr16-88835225-C-T. GRCh37 (hg19) VCF-style: chr16-88901633-C-T.
Other names: c.331G>A, p.Ala111Thr (NM_001323543.2); c.904G>A, p.Ala302Thr (NM_001323544.2); short protein forms A111T, A296T, A302T.
Identifiers: ClinVar variation 2160204 (VCV002160204.4), dbSNP rs760366984, ClinGen allele CA8234946.